The following is an entry in ClinVar:

NM_001035.3(RYR2):c.1940G>A (p.Arg647His)

Gene: RYR2 (ryanodine receptor 2; plus strand). Cytogenetic location: 1q43.
Variant type: single nucleotide variant.
Coding change: c.1940G>A on transcript NM_001035.3 (MANE Select); coding-DNA position 1940, G replaced by A.
Protein change: p.Arg647His; replaces arginine 647 with histidine.
Molecular consequence: missense variant.
Genome position (GRCh38, 1-based): chr1:237,493,066, G>A. VCF-style: chr1-237493066-G-A. GRCh37 (hg19) VCF-style: chr1-237656366-G-A.
Other names: c.1940G>A, p.Arg647His (LRG_402t1); short protein forms R647H.
Identifiers: ClinVar variation 463585 (VCV000463585.22), dbSNP rs766330093, ClinGen allele CA085915.

ClinVar aggregate classification (germline): Uncertain significance. Review status: criteria provided, multiple submitters, no conflicts (2 of 4 stars). 8 submissions from 7 submitters: Uncertain significance (8). Last evaluated 2026-08-19.

Conditions:
Catecholaminergic polymorphic ventricular tachycardia (CVPT). Also called: Catecholamine-induced polymorphic ventricular tachycardia. Identifiers: Orphanet 3286, MedGen C5574922, MONDO:0017990.
Catecholaminergic polymorphic ventricular tachycardia 1. Also called: VENTRICULAR TACHYCARDIA, CATECHOLAMINERGIC POLYMORPHIC, 1, WITH OR WITHOUT ATRIAL DYSFUNCTION AND/OR DILATED CARDIOMYOPATHY; VENTRICULAR TACHYCARDIA, STRESS-INDUCED POLYMORPHIC 1; RYR2-Related Catecholaminergic Polymorphic Ventricular Tachycardia. Identifiers: Orphanet 3286, MedGen C1631597, MONDO:0011484, OMIM 604772.
Ventricular arrhythmias due to cardiac ryanodine receptor calcium release deficiency syndrome. Also called: Autosomal dominant cardiac arrhythmia (Kuhn). Identifiers: MedGen C5542154, MONDO:0020745, OMIM 115000.
Cardiomyopathy (CMYO). Also called: Cardiomyopathies. Identifiers: Orphanet 167848, MedGen C0878544, MONDO:0004994, HP:0001638. Inheritance: Various modes of inheritance.
Arrhythmogenic right ventricular dysplasia 2. Identifiers: MedGen C1832931.
Cardiovascular phenotype. Identifiers: MedGen CN230736.

Allele frequency attached by ClinVar (database versions not stated): gnomAD 0.00003 and 0.00002; gnomAD exomes 0.00002; ExAC 0.00002; TOPMed 0.00002.
gnomAD v4.1: 36 of 1,613,522 alleles (0.0022%); highest among the groups gnomAD compares: Admixed American, 0.0033%; no homozygotes.

Submissions (8):

GeneDx
Classification: Uncertain significance. Last evaluated: 2026-08-19. Review status: criteria provided, single submitter. Criteria: GeneDx Variant Classification Process June 2021. Collection method: clinical testing. Allele origin: germline.
Comment: Not observed at significant frequency in large population cohorts (gnomAD); In silico analysis supports that this missense variant has a deleterious effect on protein structure/function; Not located in one of the three hot-spot regions of the RYR2 gene, where the majority of pathogenic missense variants occur (PMID: 19926015); Has not been previously published as pathogenic or benign in association with an RYR2-related disorder to our knowledge; This variant is associated with the following publications: (PMID: 35932045, 19926015)

Ambry Genetics
Classification: Uncertain significance for Cardiovascular phenotype. Last evaluated: 2026-02-23. Review status: criteria provided, single submitter. Criteria: Ambry Variant Classification Scheme 2023. Collection method: clinical testing. Allele origin: germline.
Comment: The c.1940G>A (p.R647H) alteration is located in exon 19 (coding exon 19) of the RYR2 gene. This alteration results from a G to A substitution at nucleotide position 1940, causing the arginine (R) at amino acid position 647 to be replaced by a histidine (H). Based on data from gnomAD, the A allele has an overall frequency of 0.002% (4/248492) total alleles studied. The highest observed frequency was 0.007% (2/30428) of South Asian alleles. Based on insufficient or conflicting evidence, the clinical significance of this alteration remains unclear.

Labcorp Genetics (formerly Invitae), Labcorp
Classification: Uncertain significance for Catecholaminergic polymorphic ventricular tachycardia 1. Last evaluated: 2025-10-27. Review status: criteria provided, single submitter. Criteria: Invitae Variant Classification Sherloc (09022015). Collection method: clinical testing. Allele origin: germline.
Comment: This sequence change replaces arginine, which is basic and polar, with histidine, which is basic and polar, at codon 647 of the RYR2 protein (p.Arg647His). This variant is present in population databases (rs766330093, gnomAD 0.007%). This variant has not been reported in the literature in individuals affected with RYR2-related conditions. ClinVar contains an entry for this variant (Variation ID: 463585). Invitae Evidence Modeling of protein sequence and biophysical properties (such as structural, functional, and spatial information, amino acid conservation, physicochemical variation, residue mobility, and thermodynamic stability) has been performed for this missense variant. However, the output from this modeling did not meet the statistical confidence thresholds required to predict the impact of this variant on RYR2 protein function. In summary, the available evidence is currently insufficient to determine the role of this variant in disease. Therefore, it has been classified as a Variant of Uncertain Significance.

All of Us Research Program, National Institutes of Health
Classification: Uncertain significance for Catecholaminergic polymorphic ventricular tachycardia. Last evaluated: 2024-04-16. Review status: criteria provided, single submitter. Criteria: ACMG Guidelines, 2015. Collection method: clinical testing. Allele origin: germline. Inheritance: Autosomal dominant inheritance. Observed: 5 variant alleles, 5 heterozygotes.
Comment: This variant replaces arginine with histidine at codon 647 of the RYR2 protein. Computational prediction is inconclusive regarding the impact of this variant on protein structure and function (internally defined REVEL score threshold 0.5 < inconclusive < 0.7, PMID: 27666373). To our knowledge, functional studies have not been reported for this variant. This variant has not been reported in individuals affected with cardiovascular disorders in the literature. This variant has been identified in 4/248492 chromosomes in the general population by the Genome Aggregation Database (gnomAD). The available evidence is insufficient to determine the role of this variant in disease conclusively. Therefore, this variant is classified as a Variant of Uncertain Significance.

This study involves interpretation of variants in research participants for the purpose of population health screening. Participant phenotype was not available at the time of variant classification. Additional details can be found in publication PMID: 35346344, PMCID: PMC8962531

Color Diagnostics, LLC DBA Color Health
Classification: Uncertain significance for Cardiomyopathy. Last evaluated: 2024-03-19. Review status: criteria provided, single submitter. Criteria: ACMG Guidelines, 2015. Collection method: clinical testing. Allele origin: germline.
Comment: This variant replaces arginine with histidine at codon 647 of the RYR2 protein. Computational prediction is inconclusive regarding the impact of this variant on protein structure and function. To our knowledge, functional studies have not been reported for this variant. This variant has not been reported in individuals affected with cardiovascular disorders in the literature. This variant has been identified in 4/248492 chromosomes in the general population by the Genome Aggregation Database (gnomAD). The available evidence is insufficient to determine the role of this variant in disease conclusively. Therefore, this variant is classified as a Variant of Uncertain Significance.

Department of Pathology and Laboratory Medicine, Sinai Health System
Classification: Uncertain significance for Ventricular arrhythmias due to cardiac ryanodine receptor calcium release deficiency syndrome; Catecholaminergic polymorphic ventricular tachycardia 1. Last evaluated: 2021-09-28. Review status: criteria provided, single submitter. Criteria: ACMG Guidelines, 2015. Collection method: research. Allele origin: germline.

Illumina Laboratory Services, Illumina
Classification: Uncertain significance for Catecholaminergic polymorphic ventricular tachycardia 1. Last evaluated: 2018-01-13. Review status: criteria provided, single submitter. Criteria: ICSL Variant Classification Criteria 13 December 2019. Collection method: clinical testing. Allele origin: germline.

Illumina Laboratory Services, Illumina
Classification: Uncertain significance for Catecholaminergic polymorphic ventricular tachycardia 1. Last evaluated: 2018-01-13. Review status: criteria provided, single submitter. Criteria: ICSL Variant Classification Criteria 13 December 2019. Collection method: clinical testing. Allele origin: germline.